The following is an entry in ClinVar:

NM_001378969.1(KCND3):c.1485_1503del (p.Asp495fs)

Gene: KCND3 (potassium voltage-gated channel subfamily D member 3; minus strand). Cytogenetic location: 1p13.2.
Variant type: Deletion.
Coding change: c.1485_1503del on transcript NM_001378969.1 (MANE Select); coding-DNA positions 1485 to 1503, 19 bases deleted (TCCCCTGTTATCTGTACGA).
Protein change: p.Asp495fs; shifts the reading frame from aspartic acid 495.
Molecular consequence: frameshift variant. On other transcripts: intron variant (2).
Genome position (GRCh38, 1-based): chr1:111,778,451-111,778,469, TCGTACAGATAACAGGGGA deleted on the plus strand (TCCCCTGTTATCTGTACGA on the coding strand, the reverse complement: KCND3 is on the minus strand); deleting any 19 consecutive bases within chr1:111,778,451-111,778,471 gives the same sequence; the c. name uses the placement nearest the transcript's 3' end. VCF-style (leftmost placement, unchanged base first): chr1-111778450-TTCGTACAGATAACAGGGGA-T. GRCh37 (hg19) VCF-style: chr1-112321072-TTCGTACAGATAACAGGGGA-T.
Other names: c.1485_1503del, p.Asp495fs (NM_004980.5); c.1462-1196_1462-1178del (NM_001378970.1, NM_172198.3); c.1485_1503del19 (NM_004980.4); short protein forms D495fs.
Identifiers: ClinVar variation 2447850 (VCV002447850.3), dbSNP rs1237993675, ClinGen allele CA525358441.
Genomic context (GRCh38, chr1:111,778,450, plus strand): 5'-AATTATCAGAGAGAAAAACATCAATTGAATTTTTAAAAAGTTATACCTTGATGGTGGAGG[TTCGTACAGATAACAGGGGA>T]TCATCCACAAGATAGGACAACCCCTACAGGACAACATGCCAACAGAAGATAAAAACACCA-3'

ClinVar aggregate classification (germline): Uncertain significance (1 of 4 stars; one submission).

Conditions:
Cardiovascular phenotype. Identifiers: MedGen CN230736.

Submission:

Ambry Genetics
Classification: Uncertain significance for Cardiovascular phenotype. Last evaluated: 2025-12-02. Review status: criteria provided, single submitter. Criteria: Ambry Variant Classification Scheme 2023. Collection method: clinical testing. Allele origin: germline.
Comment: The c.1485_1503del19 variant, located in coding exon 5 of the KCND3 gene, results from a deletion of 19 nucleotides at nucleotide positions 1485 to 1503, causing a translational frameshift with a predicted alternate stop codon (p.D495Efs*95). This alteration is expected to result in protein truncation or nonsense-mediated mRNA decay. However, loss of function of KCND3 has not been established as a mechanism of disease. Since supporting evidence is limited at this time, the clinical significance of this alteration remains unclear.